The following is an entry in ClinVar:

ClinVar aggregate classification (germline): Pathogenic/Likely pathogenic. Review status: criteria provided, multiple submitters, no conflicts (2 of 4 stars). 4 submissions from 4 submitters: Pathogenic (3); Likely pathogenic (1). Last evaluated 2025-11-03.

Conditions:
Sandhoff disease. Also called: GM2-GANGLIOSIDOSIS, TYPE II; HEXOSAMINIDASES A AND B DEFICIENCY; Beta-hexosaminidase-beta-subunit deficiency; GM2 gangliosidosis, type 2; Total hexosaminidase deficiency; Sandhoff-Jatzkewitz-Pilz disease. Identifiers: Orphanet 796, MedGen C0036161, MONDO:0010006, OMIM 268800.

Submissions (4):

Natera, Inc.
Classification: Pathogenic for Sandhoff disease. Last evaluated: 2025-11-03. Review status: criteria provided, single submitter. Criteria: Natera Variant Classification Schema (03/2026). Collection method: clinical testing. Allele origin: germline.
Comment: The c.1345delT variant in HEXB is a frameshift variant predicted to shift the reading frame beginning at codon 449 and leads to a stop codon 3 codons downstream. This variant is expected to result in nonsense mediated decay, truncation, or a dysfunctional protein product. This variant is rare in the general population with a frequency below the threshold expected for the associated phenotype(s). This variant has been observed in one or more individuals affected with the associated recessive disease, as either homozygous or compound heterozygous with a second variant (PMID: 8162015). Given the available evidence, this variant is classified as Pathogenic.

Labcorp Genetics (formerly Invitae), Labcorp
Classification: Pathogenic for Sandhoff disease. Last evaluated: 2025-02-10. Review status: criteria provided, single submitter. Criteria: Invitae Variant Classification Sherloc (09022015). Collection method: clinical testing. Allele origin: germline.
Comment: This sequence change creates a premature translational stop signal (p.Trp449Glyfs*3) in the HEXB gene. It is expected to result in an absent or disrupted protein product. Loss-of-function variants in HEXB are known to be pathogenic (PMID: 7550345, 18758829). This variant is present in population databases (no rsID available, gnomAD 0.0009%). This premature translational stop signal has been observed in individual(s) with Sandhoff disease (PMID: 8162015). This variant is also known as ΔT1344. ClinVar contains an entry for this variant (Variation ID: 929241). Algorithms developed to predict the effect of sequence changes on RNA splicing suggest that this variant may disrupt the consensus splice site. For these reasons, this variant has been classified as Pathogenic.

Fulgent Genetics
Classification: Pathogenic for Sandhoff disease. Last evaluated: 2024-06-12. Review status: criteria provided, single submitter. Criteria: ACMG Guidelines, 2015. Collection method: clinical testing. Allele origin: germline.

Women's Health and Genetics/Laboratory Corporation of America, LabCorp
Classification: Likely pathogenic for Sandhoff disease. Last evaluated: 2022-09-02. Review status: criteria provided, single submitter. Criteria: LabCorp Variant Classification Summary - May 2015. Collection method: clinical testing. Allele origin: germline.
Comment: Variant summary: HEXB c.1345delT (p.Trp449GlyfsX3) results in a premature termination codon, predicted to cause a truncation of the encoded protein or absence of the protein due to nonsense mediated decay, which are commonly known mechanisms for disease. Truncations downstream of this position have been classified as pathogenic by our laboratory. The variant allele was found at a frequency of 4e-06 in 251416 control chromosomes (gnomAD). c.1345delT has been reported in the literature in an individual affected with Sandhoff Disease (example: Zhang_1994). This data do not allow any conclusion about variant significance. To our knowledge, no experimental evidence demonstrating an impact on protein function has been reported. Two clinical diagnostic laboratories have submitted clinical-significance assessments for this variant to ClinVar after 2014 and all classified the variant as pathogenic/likely pathogenic. Based on the evidence outlined above, the variant was classified as likely pathogenic.

Literature cited by the submitters: PubMed 8162015 (cited by 3 submitters); PubMed 7550345 (cited by Labcorp Genetics (formerly Invitae), Labcorp); PubMed 18758829 (cited by Labcorp Genetics (formerly Invitae), Labcorp); PubMed 29448188 (cited by Women's Health and Genetics/Laboratory Corporation of America, LabCorp).

NM_000521.4(HEXB):c.1345del (p.Trp449fs)

Gene: HEXB (hexosaminidase subunit beta; plus strand). Cytogenetic location: 5q13.3.
Variant type: Deletion.
Coding change: c.1345del on transcript NM_000521.4 (MANE Select); coding-DNA position 1345, one base deleted (T; older notation c.1345delT).
Protein change: p.Trp449fs; shifts the reading frame from tryptophan 449.
Molecular consequence: frameshift variant.
Genome position (GRCh38, 1-based): chr5:74,718,899, T deleted; the last of 2 consecutive T bases (chr5:74,718,898-74,718,899); deleting either gives the same sequence. VCF-style (leftmost placement, unchanged base first): chr5-74718897-CT-C. GRCh37 (hg19) VCF-style: chr5-74014722-CT-C.
Other names: c.1345delT (NM_000521.3); c.670del, p.Trp224fs (NM_001292004.2); short protein forms W224fs, W449fs.
Identifiers: ClinVar variation 929241 (VCV000929241.16), dbSNP rs1324338803, ClinGen allele CA444848943.